The following is an entry in ClinVar:

NM_002968.3(SALL1):c.3130T>C (p.Leu1044=)

Gene: SALL1 (spalt like transcription factor 1; minus strand). Cytogenetic location: 16q12.1.
Variant type: single nucleotide variant.
Coding change: c.3130T>C on transcript NM_002968.3 (MANE Select); coding-DNA position 3130, T replaced by C.
Protein change: p.Leu1044=; no amino-acid change (leucine 1044 retained).
Molecular consequence: synonymous variant.
Genome position (GRCh38, 1-based): chr16:51,139,092, A>G on the plus strand (T>C on the coding strand, the complement: SALL1 is on the minus strand). VCF-style: chr16-51139092-A-G. GRCh37 (hg19) VCF-style: chr16-51173003-A-G.
Other names: c.2839T>C, p.Leu947= (NM_001127892.2).
Identifiers: ClinVar variation 4979215 (VCV004979215.1).
Genomic context (GRCh38, chr16:51,139,092, plus strand): 5'-TGGGCTCAAAGAGCTGGGATGGCAGATCTCGCATCTGATGTGTCAACATGTGCTGCTTCA[A>G]ATTACCCTTTGTGGAAAAGCCACGATTGCAAACTGTGCAAATAAATGGTCTCTCTTTGGT-3'
Protein context (NP_002959.2, residues 1034-1054): CNRGFSTKGN[Leu1044=]KQHMLTHQMR

ClinVar aggregate classification (germline): Likely benign (1 of 4 stars; one submission).

Conditions:
SALL1-related disorder. Also called: SALL1-related condition.

gnomAD v4.1: 5 of 1,614,114 alleles (0.00031%); highest among the groups gnomAD compares: Non-Finnish European, 0.00042%; no homozygotes.

Submission:

PreventionGenetics, part of Exact Sciences
Classification: Likely benign for SALL1-related condition. Last evaluated: 2026-09-18. Review status: criteria provided, single submitter. Criteria: ACMG Guidelines, 2015. Collection method: clinical testing. Allele origin: germline.
Comment: This variant is classified as likely benign based on ACMG/AMP sequence variant interpretation guidelines (Richards et al. 2015 PMID: 25741868, with internal and published modifications).